The following is an entry in ClinVar:

ClinVar aggregate classification (germline): Uncertain significance (1 of 4 stars; one submission).

Allele frequency attached by ClinVar (database versions not stated): gnomAD 0.00001.

Submission:

GeneDx
Classification: Uncertain significance. Last evaluated: 2023-02-15. Review status: criteria provided, single submitter. Criteria: GeneDx Variant Classification Process June 2021. Collection method: clinical testing. Allele origin: germline. Affected: yes.
Comment: Not observed at significant frequency in large population cohorts (gnomAD); In silico analysis supports that this missense variant does not alter protein structure/function; Has not been previously published as pathogenic or benign to our knowledge

NM_014208.3(DSPP):c.199G>A (p.Gly67Arg)

Genes: DMP1-AS1 (DMP1 and DSPP antisense RNA 1; minus strand), DSPP (dentin sialophosphoprotein; plus strand). Cytogenetic location: 4q22.1.
Variant type: single nucleotide variant.
Coding change: c.199G>A on transcript NM_014208.3 (MANE Select); coding-DNA position 199, G replaced by A.
Protein change: p.Gly67Arg; replaces glycine 67 with arginine.
Molecular consequence: missense variant.
Genome position (GRCh38, 1-based): chr4:87,612,385, G>A. VCF-style: chr4-87612385-G-A. GRCh37 (hg19) VCF-style: chr4-88533537-G-A.
Other names: short protein forms G67R.
Identifiers: ClinVar variation 2576835 (VCV002576835.1), dbSNP rs1445086221, ClinGen allele CA357603030.